The following is an entry in ClinVar:

ClinVar aggregate classification (germline): Uncertain significance (1 of 4 stars; one submission).

Conditions:
Nephronophthisis 14 (NPHP14). Identifiers: Orphanet 2318, MedGen C3539071, MONDO:0013916, OMIM 614844.

Allele frequency attached by ClinVar (database versions not stated): gnomAD exomes below 0.00001; TOPMed below 0.00001; gnomAD 0.00001.
gnomAD v4.1: 4 of 1,612,622 alleles (0.00025%); highest among the groups gnomAD compares: Non-Finnish European, 0.00034%; no homozygotes.

Submission:

Labcorp Genetics (formerly Invitae), Labcorp
Classification: Uncertain significance for Nephronophthisis 14. Last evaluated: 2022-06-23. Review status: criteria provided, single submitter. Criteria: Invitae Variant Classification Sherloc (09022015). Collection method: clinical testing. Allele origin: germline.
Comment: In summary, the available evidence is currently insufficient to determine the role of this variant in disease. Therefore, it has been classified as a Variant of Uncertain Significance. Algorithms developed to predict the effect of missense changes on protein structure and function are either unavailable or do not agree on the potential impact of this missense change (SIFT: "Deleterious"; PolyPhen-2: "Probably Damaging"; Align-GVGD: "Class C0"). This variant has not been reported in the literature in individuals affected with ZNF423-related conditions. This variant is not present in population databases (gnomAD no frequency). This sequence change replaces threonine, which is neutral and polar, with alanine, which is neutral and non-polar, at codon 938 of the ZNF423 protein (p.Thr938Ala).

NM_001379286.1(ZNF423):c.2836A>G (p.Thr946Ala)

Gene: ZNF423 (zinc finger protein 423; minus strand). Cytogenetic location: 16q12.1.
Variant type: single nucleotide variant.
Coding change: c.2836A>G on transcript NM_001379286.1 (MANE Select); coding-DNA position 2836, A replaced by G.
Protein change: p.Thr946Ala; replaces threonine 946 with alanine.
Molecular consequence: missense variant.
Genome position (GRCh38, 1-based): chr16:49,636,340, T>C on the plus strand (A>G on the coding strand, the complement: ZNF423 is on the minus strand). VCF-style: chr16-49636340-T-C. GRCh37 (hg19) VCF-style: chr16-49670251-T-C.
Other names: c.2632A>G, p.Thr878Ala (NM_001271620.2); c.2461A>G, p.Thr821Ala (NM_001330533.2); c.2812A>G, p.Thr938Ala (NM_015069.5); short protein forms T821A, T878A, T938A, T946A.
Identifiers: ClinVar variation 2009519 (VCV002009519.4), dbSNP rs1207670626, ClinGen allele CA395841273.